The following is an entry in ClinVar:

NM_000057.4(BLM):c.2729G>A (p.Arg910Lys)

Gene: BLM (BLM RecQ like helicase; plus strand). Cytogenetic location: 15q26.1.
Variant type: single nucleotide variant.
Coding change: c.2729G>A on transcript NM_000057.4 (MANE Select); coding-DNA position 2729, G replaced by A.
Protein change: p.Arg910Lys; replaces arginine 910 with lysine.
Molecular consequence: missense variant.
Genome position (GRCh38, 1-based): chr15:90,784,987, G>A. VCF-style: chr15-90784987-G-A. GRCh37 (hg19) VCF-style: chr15-91328217-G-A.
Other names: c.2729G>A, p.Arg910Lys (NM_001287246.2, NM_001287247.2); c.1604G>A, p.Arg535Lys (NM_001287248.2); short protein forms R535K, R910K.
Identifiers: ClinVar variation 1338125 (VCV001338125.4), dbSNP rs1567053290, ClinGen allele CA393845983.
Genomic context (GRCh38, chr15:90,784,987, plus strand): 5'-CAGGGATAATTTACTGCCTCTCCAGGCGAGAATGTGACACCATGGCTGACACGTTACAGA[G>A]AGATGGGCTCGCTGCTCTTGCTTACCATGCTGGCCTCAGTGATTCTGCCAGAGATGAAGT-3'
Protein context (NP_000048.1, residues 900-920): ECDTMADTLQ[Arg910Lys]DGLAALAYHA

ClinVar aggregate classification (germline): Uncertain significance (1 of 4 stars; one submission).

Submission:

Genetic Services Laboratory, University of Chicago
Classification: Uncertain significance. Last evaluated: 2021-11-22. Review status: criteria provided, single submitter. Criteria: ACMG Guidelines, 2015. Collection method: clinical testing. Allele origin: germline. Affected: no.
Comment: This sequence change does not appear to have been previously described in individuals with BLM-related disorders and has also not been described in the population databases such as ExAC and gnomAD. The p.Arg910Lys change affects a poorly conserved amino acid residue located in a domain of the BLM protein that is known to be functional. The p.Arg910Lys substitution appears to be benign using several in-silico pathogenicity prediction tools (SIFT, PolyPhen2, Align GVGD, REVEL). Due to insufficient evidence and the lack of functional studies, the clinical significance of the p.Arg910Lys change remains unknown at this time.